The following is an entry in ClinVar:

ClinVar aggregate classification (germline): Uncertain significance (1 of 4 stars; one submission).

Conditions:
Ornithine aminotransferase deficiency (GACR). Also called: HYPERORNITHINEMIA WITH GYRATE ATROPHY OF CHOROID AND RETINA; OAT DEFICIENCY; Ornithine ketoacid aminotransferase deficiency; Gyrate atrophy; Gyrate atrophy of choroid and retina; Girate atrophy of the retina. Identifiers: Orphanet 414, MedGen C0018425, MONDO:0009796, OMIM 258870.

gnomAD v4.1: 1 of 1,613,902 alleles (0.000062%); highest among the groups gnomAD compares: Non-Finnish European, 0.000085%; no homozygotes.

Submission:

Labcorp Genetics (formerly Invitae), Labcorp
Classification: Uncertain significance for Ornithine aminotransferase deficiency. Last evaluated: 2024-07-10. Review status: criteria provided, single submitter. Criteria: Invitae Variant Classification Sherloc (09022015). Collection method: clinical testing. Allele origin: germline.
Comment: This sequence change replaces isoleucine, which is neutral and non-polar, with valine, which is neutral and non-polar, at codon 429 of the OAT protein (p.Ile429Val). This variant is not present in population databases (gnomAD no frequency). This variant has not been reported in the literature in individuals affected with OAT-related conditions. Advanced modeling of protein sequence and biophysical properties (such as structural, functional, and spatial information, amino acid conservation, physicochemical variation, residue mobility, and thermodynamic stability) performed at Invitae indicates that this missense variant is not expected to disrupt OAT protein function with a negative predictive value of 80%. In summary, the available evidence is currently insufficient to determine the role of this variant in disease. Therefore, it has been classified as a Variant of Uncertain Significance.

NM_000274.4(OAT):c.1285A>G (p.Ile429Val)

Gene: OAT (ornithine aminotransferase; minus strand). Cytogenetic location: 10q26.13.
Variant type: single nucleotide variant.
Coding change: c.1285A>G on transcript NM_000274.4 (MANE Select); coding-DNA position 1285, A replaced by G.
Protein change: p.Ile429Val; replaces isoleucine 429 with valine.
Molecular consequence: missense variant.
Genome position (GRCh38, 1-based): chr10:124,397,977, T>C on the plus strand (A>G on the coding strand, the complement: OAT is on the minus strand). VCF-style: chr10-124397977-T-C. GRCh37 (hg19) VCF-style: chr10-126086546-T-C.
Other names: c.871A>G, p.Ile291Val (NM_001171814.2); c.1285A>G, p.Ile429Val (NM_001322965.2, NM_001322966.2, NM_001322967.2 and 3 more transcripts); c.964A>G, p.Ile322Val (NM_001322971.2); c.685A>G, p.Ile229Val (NM_001322974.2); short protein forms I291V, I429V, I229V, I322V.
Identifiers: ClinVar variation 2870513 (VCV002870513.3), dbSNP rs1477230580, ClinGen allele CA378633028.